The following is an entry in ClinVar:

ClinVar aggregate classification (germline): Benign. Review status: criteria provided, multiple submitters, no conflicts (2 of 4 stars). 2 submissions from 2 submitters: Benign (2). Last evaluated 2013-02-21.

Allele frequency attached by ClinVar (database versions not stated): gnomAD 0.02516 and 0.02602; gnomAD exomes 0.02667 and 0.03024; ESP Exome Variant Server 0.02648; ExAC 0.02798; 1000 Genomes Project 30x 0.01437; 1000 Genomes Project 0.01478; TOPMed 0.01984.
gnomAD v4.1: 47,806 of 1,612,898 alleles (3%); highest among the groups gnomAD compares: Non-Finnish European, 3.3%; 904 homozygotes.

Submissions (2):

Laboratory for Molecular Medicine, Mass General Brigham Personalized Medicine
Classification: Benign. Last evaluated: 2013-02-21. Review status: criteria provided, single submitter. Criteria: LMM Criteria. Collection method: clinical testing. Allele origin: germline. Observed: 7 variant alleles.
Comment: Leu5181Pro in exon 35 of MUC5B: This variant is not expected to have clinical si gnificance because it has been identified in 3.2% (273/8496) of European America n chromosomes from a broad population by the NHLBI Exome Sequencing Project (dbSNP rs56232219).

Breakthrough Genomics
Classification: Benign. Review status: criteria provided, single submitter. Criteria: ACMG Guidelines, 2015. Collection method: not provided. Allele origin: germline. Inheritance: Autosomal dominant inheritance. Affected: yes.

NM_002458.3(MUC5B):c.15542T>C (p.Leu5181Pro)

Gene: MUC5B (mucin 5B, oligomeric mucus/gel-forming; plus strand). Cytogenetic location: 11p15.5.
Variant type: single nucleotide variant.
Coding change: c.15542T>C on transcript NM_002458.3 (MANE Select); coding-DNA position 15542, T replaced by C.
Protein change: p.Leu5181Pro; replaces leucine 5181 with proline.
Molecular consequence: missense variant.
Genome position (GRCh38, 1-based): chr11:1,254,758, T>C. VCF-style: chr11-1254758-T-C. GRCh37 (hg19) VCF-style: chr11-1275988-T-C.
Other names: short protein forms L5181P.
Identifiers: ClinVar variation 164004 (VCV000164004.5), dbSNP rs56232219, ClinGen allele CA176769.
Genomic context (GRCh38, chr11:1,254,758, plus strand): 5'-TGTTTGACCAAATTCCGGTGAGCAGCGGTTTCAGCAAGAACGGCGTGCTTGTGTCTGTGC[T>C]GGGGACCACCACCATGCGTGTGGACATTCCTGCCCTGGGCGTGAGCGTCACCTTCAATGG-3'
Protein context (NP_002449.2, residues 5171-5191): FSKNGVLVSV[Leu5181Pro]GTTTMRVDIP